The following is an entry in ClinVar:

NM_018230.3(NUP133):c.230_231del (p.Val77fs)

Gene: NUP133 (nucleoporin 133; minus strand). Cytogenetic location: 1q42.13.
Variant type: Microsatellite.
Coding change: c.230_231del on transcript NM_018230.3 (MANE Select); coding-DNA positions 230 to 231, 2 bases deleted (TG; older notation c.230_231delTG).
Protein change: p.Val77fs; shifts the reading frame from valine 77.
Molecular consequence: frameshift variant.
Genome position (GRCh38, 1-based): chr1:229,506,110-229,506,111, CA deleted on the plus strand (TG on the coding strand, the reverse complement: NUP133 is on the minus strand); deleting any 2 consecutive bases within chr1:229,506,110-229,506,113 gives the same sequence; the c. name uses the placement nearest the transcript's 3' end. VCF-style (leftmost placement, unchanged base first): chr1-229506109-TCA-T. GRCh37 (hg19) VCF-style: chr1-229641856-TCA-T.
Other names: short protein forms V77fs.
Identifiers: ClinVar variation 2100495 (VCV002100495.4), dbSNP rs1661928663, ClinGen allele CA1013145703.

ClinVar aggregate classification (germline): Uncertain significance (1 of 4 stars; one submission).

Submission:

Labcorp Genetics (formerly Invitae), Labcorp
Classification: Uncertain significance. Last evaluated: 2025-07-03. Review status: criteria provided, single submitter. Criteria: Invitae Variant Classification Sherloc (09022015). Collection method: clinical testing. Allele origin: germline.
Comment: This sequence change creates a premature translational stop signal (p.Val77Glufs*3) in the NUP133 gene. It is expected to result in an absent or disrupted protein product. However, the current clinical and genetic evidence is not sufficient to establish whether loss-of-function variants in NUP133 cause disease. This variant is not present in population databases (gnomAD no frequency). This variant has not been reported in the literature in individuals affected with NUP133-related conditions. In summary, the available evidence is currently insufficient to determine the role of this variant in disease. Therefore, it has been classified as a Variant of Uncertain Significance.